The following is an entry in ClinVar:

ClinVar aggregate classification (germline): Uncertain significance (1 of 4 stars; one submission).

Conditions:
Hereditary cancer-predisposing syndrome. Also called: Tumor predisposition; Neoplastic Syndromes, Hereditary; Hereditary Cancer Syndrome; Hereditary neoplastic syndrome. Identifiers: Orphanet 140162, MedGen C0027672, MeSH D009386, MONDO:0015356.

Submission:

Ambry Genetics
Classification: Uncertain significance for Hereditary cancer-predisposing syndrome. Last evaluated: 2022-01-12. Review status: criteria provided, single submitter. Criteria: Ambry Variant Classification Scheme 2023. Collection method: clinical testing. Allele origin: germline.
Comment: The c.314+3A>G intronic variant results from an A to G substitution 3 nucleotides after coding exon 3 in the SDHD gene. This nucleotide position is well conserved in available vertebrate species. In silico splice site analysis predicts that this alteration may weaken the native splice donor site. Since supporting evidence is limited at this time, the clinical significance of this alteration remains unclear.

NM_003002.4(SDHD):c.314+3A>G

Gene: SDHD (succinate dehydrogenase complex subunit D; plus strand). Cytogenetic location: 11q23.1.
Variant type: single nucleotide variant.
Coding change: c.314+3A>G on transcript NM_003002.4 (MANE Select); 3 bases into the intron after coding-DNA position 314, A replaced by G.
Molecular consequence: intron variant.
Genome position (GRCh38, 1-based): chr11:112,089,014, A>G. VCF-style: chr11-112089014-A-G. GRCh37 (hg19) VCF-style: chr11-111959738-A-G.
Other names: c.314+3A>G (NM_001276506.2); c.169+1041A>G (NM_001276503.2); c.197+3A>G (NM_001276504.2).
Identifiers: ClinVar variation 1728083 (VCV001728083.2), dbSNP rs1555187084, ClinGen allele CA2580083492.